The following is an entry in ClinVar:

ClinVar aggregate classification (germline): Likely benign (1 of 4 stars; one submission).

Allele frequency attached by ClinVar (database versions not stated): ESP Exome Variant Server 0.00040.
gnomAD v4.1: 695 of 1,567,272 alleles (0.044%); highest among the groups gnomAD compares: Non-Finnish European, 0.053%; 2 homozygotes.

Submission:

CeGaT Center for Human Genetics Tuebingen
Classification: Likely benign. Last evaluated: 2023-06-01. Review status: criteria provided, single submitter. Criteria: CeGaT Center For Human Genetics Tuebingen Variant Classification Criteria Version 2. Collection method: clinical testing. Allele origin: germline. Affected: yes. Observed: 1 variant allele.
Comment: CPAMD8: BP4

NM_015692.5(CPAMD8):c.2498C>A (p.Thr833Asn)

Gene: CPAMD8 (C3 and PZP like alpha-2-macroglobulin domain containing 8; minus strand). Cytogenetic location: 19p13.11.
Variant type: single nucleotide variant.
Coding change: c.2498C>A on transcript NM_015692.5 (MANE Select); coding-DNA position 2498, C replaced by A.
Protein change: p.Thr833Asn; replaces threonine 833 with asparagine.
Molecular consequence: missense variant.
Genome position (GRCh38, 1-based): chr19:16,951,979, G>T on the plus strand (C>A on the coding strand, the complement: CPAMD8 is on the minus strand). VCF-style: chr19-16951979-G-T. GRCh37 (hg19) VCF-style: chr19-17062789-G-T.
Other names: short protein forms T833N.
Identifiers: ClinVar variation 2649529 (VCV002649529.24), dbSNP rs200788931, ClinGen allele CA9285312.